The following is an entry in ClinVar:

NM_002206.3(ITGA7):c.2146A>C (p.Met716Leu)

Genes: ITGA7 (integrin subunit alpha 7; minus strand), LOC126861535 (CDK7 strongly-dependent group 2 enhancer GRCh37_chr12:56087579-56088778; plus strand). Cytogenetic location: 12q13.2.
Variant type: single nucleotide variant.
Coding change: c.2146A>C on transcript NM_002206.3 (MANE Select); coding-DNA position 2146, A replaced by C.
Protein change: p.Met716Leu; replaces methionine 716 with leucine.
Molecular consequence: missense variant.
Genome position (GRCh38, 1-based): chr12:55,694,828, T>G on the plus strand (A>C on the coding strand, the complement: ITGA7 is on the minus strand). VCF-style: chr12-55694828-T-G. GRCh37 (hg19) VCF-style: chr12-56088612-T-G.
Other names: p.Met716Leu; c.1807A>C, p.Met603Leu (NM_001414035.1); c.2158A>C, p.Met720Leu (NM_001144996.2); c.1867A>C, p.Met623Leu (NM_001144997.2); c.1819A>C, p.Met607Leu (NM_001367993.1); c.802A>C, p.Met268Leu (NM_001367994.1); c.2128A>C, p.Met710Leu (NM_001374465.1); c.2278A>C, p.Met760Leu (NM_001410977.1); and 5 more; short protein forms M623L, M716L, M268L, M720L, M607L, M710L, M760L, M676L.
Identifiers: ClinVar variation 383215 (VCV000383215.22), dbSNP rs149403824, ClinGen allele CA6615728.

ClinVar aggregate classification (germline): Conflicting classifications of pathogenicity. Review status: criteria provided, conflicting classifications (1 of 4 stars). 6 submissions from 6 submitters: Uncertain significance (2); Benign (1); Likely benign (2). 1 of the submissions does not count toward it. Last evaluated 2026-01-17.

Conditions:
Congenital muscular dystrophy due to integrin alpha-7 deficiency. Also called: MYOPATHY, CONGENITAL, DUE TO INTEGRIN ALPHA-7 DEFICIENCY; Congenital muscular dystrophy with integrin alpha-7 deficiency; Muscular dystrophy, congenital, due to ITGA7 deficiency. Identifiers: Orphanet 34520, MedGen C2750786, MONDO:0013177, OMIM 613204.
ITGA7-related disorder. Also called: ITGA7-related condition.

Allele frequency attached by ClinVar (database versions not stated): gnomAD exomes 0.00034 and 0.00080; ExAC 0.00090; 1000 Genomes Project 30x 0.00281; 1000 Genomes Project 0.00300; gnomAD 0.00306 and 0.00333; ESP Exome Variant Server 0.00308; TOPMed 0.00326.
gnomAD v4.1: 1,011 of 1,613,662 alleles (0.063%); highest among the groups gnomAD compares: African/African-American, 1.1%; 7 homozygotes.

Submissions (6):

Labcorp Genetics (formerly Invitae), Labcorp
Classification: Benign for Congenital muscular dystrophy due to integrin alpha-7 deficiency. Last evaluated: 2026-01-17. Review status: criteria provided, single submitter. Criteria: Invitae Variant Classification Sherloc (09022015). Collection method: clinical testing. Allele origin: germline.

Ambry Genetics
Classification: Uncertain significance. Last evaluated: 2025-08-21. Review status: criteria provided, single submitter. Criteria: Ambry Variant Classification Scheme 2023. Collection method: clinical testing. Allele origin: germline.

Mayo Clinic Laboratories, Mayo Clinic
Classification: Likely benign. Last evaluated: 2023-02-13. Review status: criteria provided, single submitter. Criteria: ACMG Guidelines, 2015. Collection method: clinical testing. Allele origin: germline. Observed: 3 variant alleles.
Comment: BS1, BP4_moderate

GeneDx
Classification: Likely benign. Last evaluated: 2017-01-10. Review status: criteria provided, single submitter. Criteria: GeneDx Variant Classification (06012015). Collection method: clinical testing. Allele origin: germline. Affected: yes.
Comment: This variant is considered likely benign or benign based on one or more of the following criteria: it is a conservative change, it occurs at a poorly conserved position in the protein, it is predicted to be benign by multiple in silico algorithms, and/or has population frequency not consistent with disease.

Genetic Services Laboratory, University of Chicago
Classification: Uncertain significance. Last evaluated: 2016-10-10. Review status: criteria provided, single submitter. Criteria: ACMG Guidelines, 2015. Collection method: clinical testing. Allele origin: germline. Affected: no.

PreventionGenetics, part of Exact Sciences
Classification: Benign for ITGA7-related condition. Last evaluated: 2019-04-11. Review status: no assertion criteria provided. Collection method: clinical testing. Allele origin: germline. Not counted in ClinVar's aggregate classification.
Comment: This variant is classified as benign based on ACMG/AMP sequence variant interpretation guidelines (Richards et al. 2015 PMID: 25741868, with internal and published modifications).